The following is an entry in ClinVar:

NM_017617.5(NOTCH1):c.4772A>G (p.His1591Arg)

Gene: NOTCH1 (notch receptor 1; minus strand). Cytogenetic location: 9q34.3.
Variant type: single nucleotide variant.
Coding change: c.4772A>G on transcript NM_017617.5 (MANE Select); coding-DNA position 4772, A replaced by G.
Protein change: p.His1591Arg; replaces histidine 1591 with arginine.
Molecular consequence: missense variant.
Genome position (GRCh38, 1-based): chr9:136,504,919, T>C on the plus strand (A>G on the coding strand, the complement: NOTCH1 is on the minus strand). VCF-style: chr9-136504919-T-C. GRCh37 (hg19) VCF-style: chr9-139399371-T-C.
Other names: short protein forms H1591R.
Identifiers: ClinVar variation 3351184 (VCV003351184.2).

ClinVar aggregate classification (germline): Uncertain significance. Review status: criteria provided, single submitter (1 of 4 stars). 2 submissions from 2 submitters: Uncertain significance (1). 1 of the submissions does not count toward it. Last evaluated 2025-05-04.

Conditions:
NOTCH1-related disorder. Also called: NOTCH1-related condition; NOTCH1-related disorders.
Adams-Oliver syndrome 5 (AOS5). Identifiers: Orphanet 974, MedGen C4014970, MONDO:0014459, OMIM 616028.

Submissions (2):

Labcorp Genetics (formerly Invitae), Labcorp
Classification: Uncertain significance for Adams-Oliver syndrome 5. Last evaluated: 2025-05-04. Review status: criteria provided, single submitter. Criteria: Invitae Variant Classification Sherloc (09022015). Collection method: clinical testing. Allele origin: germline.
Comment: This sequence change replaces histidine, which is basic and polar, with arginine, which is basic and polar, at codon 1591 of the NOTCH1 protein (p.His1591Arg). This variant is not present in population databases (gnomAD no frequency). This variant has not been reported in the literature in individuals affected with NOTCH1-related conditions. ClinVar contains an entry for this variant (Variation ID: 3351184). Invitae Evidence Modeling of protein sequence and biophysical properties (such as structural, functional, and spatial information, amino acid conservation, physicochemical variation, residue mobility, and thermodynamic stability) indicates that this missense variant is not expected to disrupt NOTCH1 protein function with a negative predictive value of 80%. In summary, the available evidence is currently insufficient to determine the role of this variant in disease. Therefore, it has been classified as a Variant of Uncertain Significance.

PreventionGenetics, part of Exact Sciences
Classification: Uncertain significance for NOTCH1-related condition. Last evaluated: 2024-06-01. Review status: no assertion criteria provided. Collection method: clinical testing. Allele origin: germline. Not counted in ClinVar's aggregate classification.
Comment: The NOTCH1 c.4772A>G variant is predicted to result in the amino acid substitution p.His1591Arg. To our knowledge, this variant has not been reported in the literature or in a large population database, indicating this variant is rare. At this time, the clinical significance of this variant is uncertain due to the absence of conclusive functional and genetic evidence.